The following is an entry in ClinVar:

ClinVar aggregate classification (germline): Conflicting classifications of pathogenicity. Review status: criteria provided, conflicting classifications (1 of 4 stars). 9 submissions from 9 submitters: Uncertain significance (2); Likely benign (5). 2 of the submissions do not count toward it. Last evaluated 2026-02-04.

Conditions:
Inborn genetic diseases. Identifiers: MedGen C0950123, MeSH D030342.

Allele frequency attached by ClinVar (database versions not stated): 1000 Genomes Project 30x 0.00078; 1000 Genomes Project 0.00080; gnomAD 0.00125 and 0.00131; TOPMed 0.00125; ExAC 0.00150; ESP Exome Variant Server 0.00162; gnomAD exomes 0.00167.
gnomAD v4.1: 3,227 of 1,613,180 alleles (0.2%); highest among the groups gnomAD compares: South Asian, 0.21%; 9 homozygotes.

Submissions (18):

Labcorp Genetics (formerly Invitae), Labcorp
Classification: Likely benign. Last evaluated: 2026-02-04. Review status: criteria provided, single submitter. Criteria: Invitae Variant Classification Sherloc (09022015). Collection method: clinical testing. Allele origin: germline.

CeGaT Center for Human Genetics Tuebingen
Classification: Likely benign. Last evaluated: 2025-07-01. Review status: criteria provided, single submitter. Criteria: CeGaT Center For Human Genetics Tuebingen Variant Classification Criteria Version 2. Collection method: clinical testing. Allele origin: germline. Affected: yes. Observed: 2 variant alleles.
Comment: CCDC88C: BP4, BS2

Mayo Clinic Laboratories, Mayo Clinic
Classification: Likely benign. Last evaluated: 2025-01-21. Review status: criteria provided, single submitter. Criteria: ACMG Guidelines, 2015. Collection method: clinical testing. Allele origin: germline. Observed: 2 variant alleles.
Comment: BS1, BS2

Blueprint Genetics
Classification: Likely benign. Last evaluated: 2024-10-02. Review status: criteria provided, single submitter. Criteria: ACMG Guidelines, 2015. Collection method: clinical testing. Allele origin: germline.

Ambry Genetics
Classification: Likely benign for Inborn genetic diseases. Last evaluated: 2021-08-02. Review status: criteria provided, single submitter. Criteria: Ambry Variant Classification Scheme 2023. Collection method: clinical testing. Allele origin: germline.

Genetic Services Laboratory, University of Chicago
Classification: Uncertain significance. Last evaluated: 2017-05-05. Review status: criteria provided, single submitter. Criteria: ACMG Guidelines, 2015. Collection method: clinical testing. Allele origin: germline. Affected: no.

Athena Diagnostics
Classification: Uncertain significance. Last evaluated: 2017-01-26. Review status: criteria provided, single submitter. Criteria: Athena Diagnostics Criteria. Collection method: clinical testing. Allele origin: germline.

Clinical Genetics DNA and cytogenetics Diagnostics Lab, Erasmus MC, Erasmus Medical Center
Classification: Likely benign. Review status: no assertion criteria provided. Collection method: clinical testing. Allele origin: germline. Affected: yes. Study: VKGL Data-share Consensus. Not counted in ClinVar's aggregate classification.

Dr. Peter K. Rogan Lab, Western University
No classification provided (evidence only). Condition: Clear cell carcinoma of kidney. Review status: no classification provided. Collection method: in vitro. Allele origin: not applicable. Functional consequence: retained intron. Not counted in ClinVar's aggregate classification.

Dr. Peter K. Rogan Lab, Western University
No classification provided (evidence only). Condition: Lung cancer. Review status: no classification provided. Collection method: in vitro. Allele origin: not applicable. Functional consequence: retained intron. Not counted in ClinVar's aggregate classification.

Dr. Peter K. Rogan Lab, Western University
No classification provided (evidence only). Condition: Familial cancer of breast. Review status: no classification provided. Collection method: in vitro. Allele origin: not applicable. Functional consequence: retained intron. Not counted in ClinVar's aggregate classification.

Dr. Peter K. Rogan Lab, Western University
No classification provided (evidence only). Condition: Colorectal cancer. Review status: no classification provided. Collection method: in vitro. Allele origin: not applicable. Functional consequence: retained intron. Not counted in ClinVar's aggregate classification.

Dr. Peter K. Rogan Lab, Western University
No classification provided (evidence only). Condition: Thyroid cancer, nonmedullary, 1. Review status: no classification provided. Collection method: in vitro. Allele origin: not applicable. Functional consequence: retained intron. Not counted in ClinVar's aggregate classification.

Dr. Peter K. Rogan Lab, Western University
No classification provided (evidence only). Condition: Cervical cancer. Review status: no classification provided. Collection method: in vitro. Allele origin: not applicable. Functional consequence: retained intron. Not counted in ClinVar's aggregate classification.

Dr. Peter K. Rogan Lab, Western University
No classification provided (evidence only). Condition: Cervical cancer. Review status: no classification provided. Collection method: in vitro. Allele origin: not applicable. Functional consequence: retained intron. Not counted in ClinVar's aggregate classification.

Dr. Peter K. Rogan Lab, Western University
No classification provided (evidence only). Condition: Uveal melanoma. Review status: no classification provided. Collection method: in vitro. Allele origin: not applicable. Functional consequence: retained intron. Not counted in ClinVar's aggregate classification.

Dr. Peter K. Rogan Lab, Western University
No classification provided (evidence only). Condition: Uveal melanoma. Review status: no classification provided. Collection method: in vitro. Allele origin: not applicable. Functional consequence: retained intron. Not counted in ClinVar's aggregate classification.

Laboratory of Diagnostic Genome Analysis, Leiden University Medical Center (LUMC)
Classification: Likely benign. Review status: no assertion criteria provided. Collection method: clinical testing. Allele origin: germline. Affected: yes. Study: VKGL Data-share Consensus. Not counted in ClinVar's aggregate classification.

NM_001080414.4(CCDC88C):c.3202G>T (p.Ala1068Ser)

Gene: CCDC88C (coiled-coil and HOOK domain protein 88C; minus strand). Cytogenetic location: 14q32.11.
Variant type: single nucleotide variant.
Coding change: c.3202G>T on transcript NM_001080414.4 (MANE Select); coding-DNA position 3202, G replaced by T.
Protein change: p.Ala1068Ser; replaces alanine 1068 with serine.
Molecular consequence: missense variant.
Genome position (GRCh38, 1-based): chr14:91,305,920, C>A on the plus strand (G>T on the coding strand, the complement: CCDC88C is on the minus strand). VCF-style: chr14-91305920-C-A. GRCh37 (hg19) VCF-style: chr14-91772264-C-A.
Other names: short protein forms A1068S.
Identifiers: ClinVar variation 434622 (VCV000434622.54), dbSNP rs201044013, ClinGen allele CA7309413.